The following is an entry in ClinVar:

ClinVar aggregate classification (germline): Likely benign. Review status: criteria provided, multiple submitters, no conflicts (2 of 4 stars). 7 submissions from 7 submitters: Likely benign (7). Last evaluated 2025-04-09.

Conditions:
Cardiovascular phenotype. Identifiers: MedGen CN230736.
Cardiomyopathy (CMYO). Also called: Cardiomyopathies. Identifiers: Orphanet 167848, MedGen C0878544, MONDO:0004994, HP:0001638. Inheritance: Various modes of inheritance.
Hypertrophic cardiomyopathy. Also called: HYPERTROPHIC MYOCARDIOPATHY. Identifiers: Orphanet 217569, MedGen C0007194, MeSH D002312, MONDO:0005045, HP:0001639.

Allele frequency attached by ClinVar (database versions not stated): gnomAD exomes below 0.00001 and 0.00001; gnomAD 0.00001 and 0.00002; ExAC 0.00002; TOPMed 0.00002; ESP Exome Variant Server 0.00008.

Submissions (7):

Molecular Diagnostic Laboratory for Inherited Cardiovascular Disease, Montreal Heart Institute
Classification: Likely benign. Last evaluated: 2025-04-09. Review status: criteria provided, single submitter. Criteria: ACMG Guidelines, 2015. Collection method: clinical testing. Allele origin: germline. Affected: no.

Labcorp Genetics (formerly Invitae), Labcorp
Classification: Likely benign for Hypertrophic cardiomyopathy. Last evaluated: 2024-11-11. Review status: criteria provided, single submitter. Criteria: Invitae Variant Classification Sherloc (09022015). Collection method: clinical testing. Allele origin: germline.

All of Us Research Program, National Institutes of Health
Classification: Likely benign for Hypertrophic cardiomyopathy. Last evaluated: 2024-01-03. Review status: criteria provided, single submitter. Criteria: ACMG Guidelines, 2015. Collection method: clinical testing. Allele origin: germline. Inheritance: Autosomal dominant inheritance. Observed: 5 variant alleles, 5 heterozygotes.
Comment: This study involves interpretation of variants in research participants for the purpose of population health screening. Participant phenotype was not available at the time of variant classification. Additional details can be found in publication PMID: 35346344, PMCID: PMC8962531

CHEO Genetics Diagnostic Laboratory, Children's Hospital of Eastern Ontario
Classification: Likely benign for Cardiomyopathy. Last evaluated: 2022-12-06. Review status: criteria provided, single submitter. Criteria: ACMG Guidelines, 2015. Collection method: clinical testing. Allele origin: germline.

Blueprint Genetics
Classification: Likely benign. Last evaluated: 2020-05-15. Review status: criteria provided, single submitter. Criteria: ACMG Guidelines, 2015. Collection method: clinical testing. Allele origin: germline.

Color Diagnostics, LLC DBA Color Health
Classification: Likely benign for Cardiomyopathy. Last evaluated: 2020-03-09. Review status: criteria provided, single submitter. Criteria: ACMG Guidelines, 2015. Collection method: clinical testing. Allele origin: germline.

Ambry Genetics
Classification: Likely benign for Cardiovascular phenotype. Last evaluated: 2016-11-03. Review status: criteria provided, single submitter. Criteria: Ambry Variant Classification Scheme 2023. Collection method: clinical testing. Allele origin: germline.

NM_001018005.2(TPM1):c.828C>T (p.His276=)

Gene: TPM1 (tropomyosin 1; plus strand). Cytogenetic location: 15q22.2.
Variant type: single nucleotide variant.
Coding change: c.828C>T on transcript NM_001018005.2 (MANE Select); coding-DNA position 828, C replaced by T.
Protein change: p.His276=; no amino-acid change (histidine 276 retained).
Molecular consequence: synonymous variant. On other transcripts: intron variant (12).
Genome position (GRCh38, 1-based): chr15:63,064,119, C>T. VCF-style: chr15-63064119-C-T. GRCh37 (hg19) VCF-style: chr15-63356318-C-T.
Other names: c.828C>T, p.His276= (NM_000366.6, NM_001301244.2, NM_001365779.1); c.720C>T, p.His240= (NM_001330346.2, NM_001365781.2, NM_001365782.1); c.898+1474C>T (NM_001365778.1); c.772+1474C>T (NM_001018020.2, NM_001018007.2, NM_001018006.2 and 3 more transcripts); c.664+1474C>T (NM_001330351.2, NM_001330344.2, NM_001018008.2 and 2 more transcripts).
Identifiers: ClinVar variation 519202 (VCV000519202.23), dbSNP rs368813394, ClinGen allele CA032147.